The following is an entry in ClinVar:

NM_020461.4(TUBGCP6):c.5024A>T (p.His1675Leu)

Gene: TUBGCP6 (tubulin gamma complex component 6; minus strand). Cytogenetic location: 22q13.33.
Variant type: single nucleotide variant.
Coding change: c.5024A>T on transcript NM_020461.4 (MANE Select); coding-DNA position 5024, A replaced by T.
Protein change: p.His1675Leu; replaces histidine 1675 with leucine.
Molecular consequence: missense variant.
Genome position (GRCh38, 1-based): chr22:50,218,333, T>A on the plus strand (A>T on the coding strand, the complement: TUBGCP6 is on the minus strand). VCF-style: chr22-50218333-T-A. GRCh37 (hg19) VCF-style: chr22-50656762-T-A.
Other names: short protein forms H1675L.
Identifiers: ClinVar variation 1352913 (VCV001352913.8), dbSNP rs2147171857, ClinGen allele CA412164573.

ClinVar aggregate classification (germline): Uncertain significance (1 of 4 stars; one submission).

Submission:

Labcorp Genetics (formerly Invitae), Labcorp
Classification: Uncertain significance. Last evaluated: 2021-02-24. Review status: criteria provided, single submitter. Criteria: Invitae Variant Classification Sherloc (09022015). Collection method: clinical testing. Allele origin: germline.
Comment: This sequence change replaces histidine with leucine at codon 1675 of the TUBGCP6 protein (p.His1675Leu). The histidine residue is moderately conserved and there is a moderate physicochemical difference between histidine and leucine. This variant is not present in population databases (ExAC no frequency). This variant has not been reported in the literature in individuals with TUBGCP6-related conditions. Algorithms developed to predict the effect of missense changes on protein structure and function are either unavailable or do not agree on the potential impact of this missense change (SIFT: "Deleterious"; PolyPhen-2: "Probably Damaging"; Align-GVGD: "Class C0"). In summary, the available evidence is currently insufficient to determine the role of this variant in disease. Therefore, it has been classified as a Variant of Uncertain Significance.